The following is an entry in ClinVar:

NM_001379500.1(COL18A1):c.3340C>G (p.Arg1114Gly)

Genes: COL18A1 (collagen type XVIII alpha 1 chain; plus strand), SLC19A1 (solute carrier family 19 member 1; minus strand). Cytogenetic location: 21q22.3.
Variant type: single nucleotide variant.
Coding change: c.3340C>G on transcript NM_001379500.1 (MANE Select); coding-DNA position 3340, C replaced by G.
Protein change: p.Arg1114Gly; replaces arginine 1114 with glycine.
Molecular consequence: missense variant.
Genome position (GRCh38, 1-based): chr21:45,509,446, C>G. VCF-style: chr21-45509446-C-G. GRCh37 (hg19) VCF-style: chr21-46929360-C-G.
Other names: c.3871C>G, p.Arg1291Gly (NM_030582.4); c.4576C>G, p.Arg1526Gly (NM_130444.3); short protein forms R1291G, R1114G, R1526G.
Identifiers: ClinVar variation 1391579 (VCV001391579.6), dbSNP rs749258477, ClinGen allele CA410500770.

ClinVar aggregate classification (germline): Uncertain significance (1 of 4 stars; one submission).

Submission:

Labcorp Genetics (formerly Invitae), Labcorp
Classification: Uncertain significance. Last evaluated: 2021-04-28. Review status: criteria provided, single submitter. Criteria: Invitae Variant Classification Sherloc (09022015). Collection method: clinical testing. Allele origin: germline.
Comment: In summary, the available evidence is currently insufficient to determine the role of this variant in disease. Therefore, it has been classified as a Variant of Uncertain Significance. This sequence change replaces arginine with glycine at codon 1111 of the COL18A1 protein (p.Arg1111Gly). There is a moderate physicochemical difference between arginine and glycine. The frequency data for this variant in the population databases is considered unreliable, as metrics indicate insufficient coverage at this position in the ExAC database. This variant has not been reported in the literature in individuals with COL18A1-related conditions. Experimental studies and prediction algorithms are not available or were not evaluated, and the functional significance of this variant is currently unknown.